The following is an entry in ClinVar:

NM_000448.3(RAG1):c.3083C>T (p.Pro1028Leu)

Gene: RAG1 (recombination activating 1; plus strand). Cytogenetic location: 11p12.
Variant type: single nucleotide variant.
Coding change: c.3083C>T on transcript NM_000448.3 (MANE Select); coding-DNA position 3083, C replaced by T.
Protein change: p.Pro1028Leu; replaces proline 1028 with leucine.
Molecular consequence: missense variant.
Genome position (GRCh38, 1-based): chr11:36,576,387, C>T. VCF-style: chr11-36576387-C-T. GRCh37 (hg19) VCF-style: chr11-36597937-C-T.
Other names: c.3083C>T, p.Pro1028Leu (NM_001377277.1, NM_001377278.1, NM_001377279.1 and 1 more transcripts); short protein forms P1028L.
Identifiers: ClinVar variation 1034737 (VCV001034737.4), dbSNP rs771708758, ClinGen allele CA5950364.
Genomic context (GRCh38, chr11:36,576,387, plus strand): 5'-CTCATAATGCATTAAAAACCTCTGGGTTTACCATGAACCCTCAGGCAAGCTTAGGGGACC[C>T]ATTAGGCATAGAGGACTCTCTGGAAAGCCAAGATTCAATGGAATTTTAAGTAGGGCAACC-3'
Protein context (NP_000439.2, residues 1018-1038): TMNPQASLGD[Pro1028Leu]LGIEDSLESQ

ClinVar aggregate classification (germline): Uncertain significance (1 of 4 stars; one submission).

Conditions:
Combined immunodeficiency with skin granulomas. Identifiers: Orphanet 157949, MedGen C2673536, MONDO:0009306, OMIM 233650.
Severe combined immunodeficiency, autosomal recessive, T cell-negative, B cell-negative, NK cell-positive. Also called: SCID, T CELL-NEGATIVE, B CELL-NEGATIVE, NK CELL-POSITIVE; SCID, AR, T-cell negative, B-cell negative, NK cell-positive; Severe combined immunodeficiency due to complete RAG1/2 deficiency. Identifiers: Orphanet 331206, MedGen C1832322, MONDO:0011086, OMIM 601457.

Allele frequency attached by ClinVar (database versions not stated): gnomAD 0.00001; TOPMed 0.00003.
gnomAD v4.1: 47 of 1,613,946 alleles (0.0029%); highest among the groups gnomAD compares: Non-Finnish European, 0.0038%; no homozygotes.

Submission:

Labcorp Genetics (formerly Invitae), Labcorp
Classification: Uncertain significance for Combined immunodeficiency with skin granulomas; Severe combined immunodeficiency, autosomal recessive, T cell-negative, B cell-negative, NK cell-positive. Last evaluated: 2022-03-12. Review status: criteria provided, single submitter. Criteria: Invitae Variant Classification Sherloc (09022015). Collection method: clinical testing. Allele origin: germline.
Comment: This sequence change replaces proline, which is neutral and non-polar, with leucine, which is neutral and non-polar, at codon 1028 of the RAG1 protein (p.Pro1028Leu). This variant is present in population databases (rs771708758, gnomAD 0.006%). This variant has not been reported in the literature in individuals affected with RAG1-related conditions. ClinVar contains an entry for this variant (Variation ID: 1034737). Advanced modeling of protein sequence and biophysical properties (such as structural, functional, and spatial information, amino acid conservation, physicochemical variation, residue mobility, and thermodynamic stability) performed at Invitae indicates that this missense variant is not expected to disrupt RAG1 protein function. In summary, the available evidence is currently insufficient to determine the role of this variant in disease. Therefore, it has been classified as a Variant of Uncertain Significance.